The following is an entry in ClinVar:

ClinVar aggregate classification (germline): Uncertain significance (1 of 4 stars; one submission).

Conditions:
Developmental and epileptic encephalopathy, 23 (DEE23). Also called: Epileptic encephalopathy, early infantile, 23. Identifiers: Orphanet 411986, MedGen C4014492, MONDO:0014371, OMIM 615859.

Allele frequency attached by ClinVar (database versions not stated): gnomAD exomes below 0.00001; TOPMed below 0.00001.
gnomAD v4.1: 2 of 1,613,600 alleles (0.00012%); highest among the groups gnomAD compares: Admixed American, 0.0017%; no homozygotes.

Submission:

Labcorp Genetics (formerly Invitae), Labcorp
Classification: Uncertain significance for Developmental and epileptic encephalopathy, 23. Last evaluated: 2024-01-29. Review status: criteria provided, single submitter. Criteria: Invitae Variant Classification Sherloc (09022015). Collection method: clinical testing. Allele origin: germline.
Comment: This sequence change replaces aspartic acid, which is acidic and polar, with asparagine, which is neutral and polar, at codon 1224 of the DOCK7 protein (p.Asp1224Asn). This variant is not present in population databases (gnomAD no frequency). This variant has not been reported in the literature in individuals affected with DOCK7-related conditions. ClinVar contains an entry for this variant (Variation ID: 1522165). Advanced modeling of protein sequence and biophysical properties (such as structural, functional, and spatial information, amino acid conservation, physicochemical variation, residue mobility, and thermodynamic stability) performed at Invitae indicates that this missense variant is expected to disrupt DOCK7 protein function with a positive predictive value of 80%. In summary, the available evidence is currently insufficient to determine the role of this variant in disease. Therefore, it has been classified as a Variant of Uncertain Significance.

NM_001367561.1(DOCK7):c.3670G>A (p.Asp1224Asn)

Gene: DOCK7 (dedicator of cytokinesis 7; minus strand). Cytogenetic location: 1p31.3.
Variant type: single nucleotide variant.
Coding change: c.3670G>A on transcript NM_001367561.1 (MANE Select); coding-DNA position 3670, G replaced by A.
Protein change: p.Asp1224Asn; replaces aspartic acid 1224 with asparagine.
Molecular consequence: missense variant.
Genome position (GRCh38, 1-based): chr1:62,529,388, C>T on the plus strand (G>A on the coding strand, the complement: DOCK7 is on the minus strand). VCF-style: chr1-62529388-C-T. GRCh37 (hg19) VCF-style: chr1-62995059-C-T.
Other names: c.3670G>A, p.Asp1224Asn (NM_001271999.2, NM_001330614.2); c.3577G>A, p.Asp1193Asn (NM_001272000.2, NM_001272001.2, NM_033407.4); short protein forms D1193N, D1224N.
Identifiers: ClinVar variation 1522165 (VCV001522165.6), dbSNP rs1272908143, ClinGen allele CA340601065.